The following is an entry in ClinVar:

NM_176787.5(PIGN):c.347G>A (p.Trp116Ter)

Gene: PIGN (phosphatidylinositol glycan anchor biosynthesis class N; minus strand). Cytogenetic location: 18q21.33.
Variant type: single nucleotide variant.
Coding change: c.347G>A on transcript NM_176787.5 (MANE Select); coding-DNA position 347, G replaced by A.
Protein change: p.Trp116Ter; replaces tryptophan 116 with a stop codon.
Molecular consequence: nonsense.
Genome position (GRCh38, 1-based): chr18:62,157,224, C>T on the plus strand (G>A on the coding strand, the complement: PIGN is on the minus strand). VCF-style: chr18-62157224-C-T. GRCh37 (hg19) VCF-style: chr18-59824457-C-T.
Other names: c.347G>A, p.Trp116Ter (NM_012327.6); short protein forms W116*.
Identifiers: ClinVar variation 1361618 (VCV001361618.6), dbSNP rs2147517821, ClinGen allele CA402603467.

ClinVar aggregate classification (germline): Pathogenic (1 of 4 stars; one submission).

Conditions:
Multiple congenital anomalies-hypotonia-seizures syndrome 1 (MCAHS1). Also called: PIGN-CDG; Congenital disorder of glycosylation due to PIGN deficiency; GLYCOSYLPHOSPHATIDYLINOSITOL BIOSYNTHESIS DEFECT 3. Identifiers: Orphanet 280633, MedGen C3279775, MONDO:0013563, OMIM 614080.

Submission:

Labcorp Genetics (formerly Invitae), Labcorp
Classification: Pathogenic for Multiple congenital anomalies-hypotonia-seizures syndrome 1. Last evaluated: 2024-02-23. Review status: criteria provided, single submitter. Criteria: Invitae Variant Classification Sherloc (09022015). Collection method: clinical testing. Allele origin: germline.
Comment: This sequence change creates a premature translational stop signal (p.Trp116*) in the PIGN gene. It is expected to result in an absent or disrupted protein product. Loss-of-function variants in PIGN are known to be pathogenic (PMID: 24253414, 27038415). This variant is not present in population databases (gnomAD no frequency). This variant has not been reported in the literature in individuals affected with PIGN-related conditions. ClinVar contains an entry for this variant (Variation ID: 1361618). Algorithms developed to predict the effect of sequence changes on RNA splicing suggest that this variant may disrupt the consensus splice site. For these reasons, this variant has been classified as Pathogenic.

Literature cited by the submitters: PubMed 24253414; PubMed 27038415.